The following is an entry in ClinVar:

NM_001134407.3(GRIN2A):c.3230G>C (p.Ser1077Thr)

Gene: GRIN2A (glutamate ionotropic receptor NMDA type subunit 2A; minus strand). Cytogenetic location: 16p13.2.
Variant type: single nucleotide variant.
Coding change: c.3230G>C on transcript NM_001134407.3 (MANE Select); coding-DNA position 3230, G replaced by C.
Protein change: p.Ser1077Thr; replaces serine 1077 with threonine.
Molecular consequence: missense variant.
Genome position (GRCh38, 1-based): chr16:9,764,314, C>G on the plus strand (G>C on the coding strand, the complement: GRIN2A is on the minus strand). VCF-style: chr16-9764314-C-G. GRCh37 (hg19) VCF-style: chr16-9858171-C-G.
Other names: c.3230G>C, p.Ser1077Thr (NM_000833.5, NM_001134408.2); short protein forms S1077T.
Identifiers: ClinVar variation 1028878 (VCV001028878.1), dbSNP rs1427368529, ClinGen allele CA394708329.

ClinVar aggregate classification (germline): Uncertain significance (1 of 4 stars; one submission).

Conditions:
Landau-Kleffner syndrome (FESD). Also called: APHASIA, ACQUIRED, WITH EPILEPSY; EPILEPSY, FOCAL, WITH SPEECH DISORDER AND WITH OR WITHOUT MENTAL RETARDATION. Identifiers: Orphanet 1945, Orphanet 725, Orphanet 98818, MedGen C0282512, MONDO:0009509, OMIM 245570.

Submission:

Baylor Genetics
Classification: Uncertain significance for Landau-Kleffner syndrome. Last evaluated: 2020-05-05. Review status: criteria provided, single submitter. Criteria: ACMG Guidelines, 2015. Collection method: clinical testing. Allele origin: unknown. Affected: yes.
Comment: This variant was determined to be of uncertain significance according to ACMG Guidelines, 2015 [PMID:25741868].